The following is an entry in ClinVar:

ClinVar aggregate classification (germline): Uncertain significance (1 of 4 stars; one submission).

Allele frequency attached by ClinVar (database versions not stated): gnomAD exomes below 0.00001; gnomAD 0.00001; TOPMed 0.00002.
gnomAD v4.1: 4 of 1,613,908 alleles (0.00025%); highest among the groups gnomAD compares: African/African-American, 0.004%; no homozygotes.

Submission:

Labcorp Genetics (formerly Invitae), Labcorp
Classification: Uncertain significance. Last evaluated: 2022-08-16. Review status: criteria provided, single submitter. Criteria: Invitae Variant Classification Sherloc (09022015). Collection method: clinical testing. Allele origin: germline.
Comment: In summary, the available evidence is currently insufficient to determine the role of this variant in disease. Therefore, it has been classified as a Variant of Uncertain Significance. Algorithms developed to predict the effect of missense changes on protein structure and function (SIFT, PolyPhen-2, Align-GVGD) all suggest that this variant is likely to be tolerated. ClinVar contains an entry for this variant (Variation ID: 1024146). This variant has not been reported in the literature in individuals affected with TRPM1-related conditions. This variant is present in population databases (no rsID available, gnomAD 0.007%). This sequence change replaces histidine, which is basic and polar, with glutamine, which is neutral and polar, at codon 511 of the TRPM1 protein (p.His511Gln).

NM_001252024.2(TRPM1):c.1599T>A (p.His533Gln)

Gene: TRPM1 (transient receptor potential cation channel subfamily M member 1; minus strand). Cytogenetic location: 15q13.3.
Variant type: single nucleotide variant.
Coding change: c.1599T>A on transcript NM_001252024.2 (MANE Select); coding-DNA position 1599, T replaced by A.
Protein change: p.His533Gln; replaces histidine 533 with glutamine.
Molecular consequence: missense variant.
Genome position (GRCh38, 1-based): chr15:31,047,913, A>T on the plus strand (T>A on the coding strand, the complement: TRPM1 is on the minus strand). VCF-style: chr15-31047913-A-T. GRCh37 (hg19) VCF-style: chr15-31340116-A-T.
Other names: c.1650T>A, p.His550Gln (NM_001252020.2); c.1533T>A, p.His511Gln (NM_002420.6); short protein forms H511Q, H533Q, H550Q.
Identifiers: ClinVar variation 1024146 (VCV001024146.8), dbSNP rs1422933309, ClinGen allele CA391515813.